The following is an entry in ClinVar:

ClinVar aggregate classification (germline): Pathogenic (1 of 4 stars; one submission).

Submission:

Labcorp Genetics (formerly Invitae), Labcorp
Classification: Pathogenic. Last evaluated: 2022-09-29. Review status: criteria provided, single submitter. Criteria: Invitae Variant Classification Sherloc (09022015). Collection method: clinical testing. Allele origin: germline.
Comment: This variant is not present in population databases (gnomAD no frequency). This sequence change creates a premature translational stop signal (p.Gln1626*) in the CEP250 gene. It is expected to result in an absent or disrupted protein product. Loss-of-function variants in CEP250 are known to be pathogenic (PMID: 24780881, 29718797). This variant has not been reported in the literature in individuals affected with CEP250-related conditions. For these reasons, this variant has been classified as Pathogenic.

Literature cited by the submitters: PubMed 24780881; PubMed 29718797.

NM_007186.6(CEP250):c.4876C>T (p.Gln1626Ter)

Gene: CEP250 (centrosomal protein 250; plus strand). Cytogenetic location: 20q11.22.
Variant type: single nucleotide variant.
Coding change: c.4876C>T on transcript NM_007186.6 (MANE Select); coding-DNA position 4876, C replaced by T.
Protein change: p.Gln1626Ter; replaces glutamine 1626 with a stop codon.
Molecular consequence: nonsense.
Genome position (GRCh38, 1-based): chr20:35,503,245, C>T. VCF-style: chr20-35503245-C-T. GRCh37 (hg19) VCF-style: chr20-34091073-C-T.
Other names: c.2980C>T, p.Gln994Ter (NM_001318219.1); short protein forms Q1626*, Q994*.
Identifiers: ClinVar variation 2033369 (VCV002033369.4), dbSNP rs2516244932, ClinGen allele CA408749851.
Genomic context (GRCh38, chr20:35,503,245, plus strand): 5'-GCACAAAGCAGCCAGATCCATGACCTGGAGAGCCACAGCACCGTTCTGGCAAGAGAGCTG[C>T]AGGAGAGGGACCAGGAGGTGAAGTCTCAGCGAGAACAGATCGAGGAGCTGCAGAGGCAGA-3'